The following is an entry in ClinVar:

NM_181552.4(CUX1):c.2542G>A (p.Gly848Ser)

Gene: CUX1 (cut like homeobox 1; plus strand). Cytogenetic location: 7q22.1.
Variant type: single nucleotide variant.
Coding change: c.2542G>A on transcript NM_181552.4 (MANE Select); coding-DNA position 2542, G replaced by A.
Protein change: p.Gly848Ser; replaces glycine 848 with serine.
Molecular consequence: missense variant. On other transcripts: intron variant (5).
Genome position (GRCh38, 1-based): chr7:102,201,839, G>A. VCF-style: chr7-102201839-G-A. GRCh37 (hg19) VCF-style: chr7-101845119-G-A.
Other names: c.2575G>A, p.Gly859Ser (NM_001202543.2); c.1255+6236G>A (NM_001913.5); c.1249+6236G>A (NM_181500.4); c.1117+6236G>A (NM_001202545.3); c.1207+6236G>A (NM_001202544.3); c.1138+6236G>A (NM_001202546.3); short protein forms G848S, G859S.
Identifiers: ClinVar variation 2595266 (VCV002595266.6), dbSNP rs369468371, ClinGen allele CA4411092.

ClinVar aggregate classification (germline): Likely benign. Review status: criteria provided, multiple submitters, no conflicts (2 of 4 stars). 2 submissions from 2 submitters: Likely benign (2). Last evaluated 2026-03-01.

Conditions:
Inborn genetic diseases. Identifiers: MedGen C0950123, MeSH D030342.

Allele frequency attached by ClinVar (database versions not stated): TOPMed 0.00006; ESP Exome Variant Server 0.00008; 1000 Genomes Project 0.00160; 1000 Genomes Project 30x 0.00172; gnomAD 0.00026; gnomAD exomes 0.00049; ExAC 0.00119.
gnomAD v4.1: 758 of 1,613,274 alleles (0.047%); highest among the groups gnomAD compares: South Asian, 0.77%; 12 homozygotes.

Submissions (2):

CeGaT Center for Human Genetics Tuebingen
Classification: Likely benign. Last evaluated: 2026-03-01. Review status: criteria provided, single submitter. Criteria: CeGaT Center For Human Genetics Tuebingen Variant Classification Criteria Version 2. Collection method: clinical testing. Allele origin: germline. Affected: yes. Observed: 1 variant allele.
Comment: CUX1: BP4, BS1

Ambry Genetics
Classification: Likely benign for Inborn genetic diseases. Last evaluated: 2023-07-25. Review status: criteria provided, single submitter. Criteria: Ambry Variant Classification Scheme 2023. Collection method: clinical testing. Allele origin: germline.